The following is an entry in ClinVar:

ClinVar aggregate classification (germline): Uncertain significance. Review status: criteria provided, multiple submitters, no conflicts (2 of 4 stars). 2 submissions from 2 submitters: Uncertain significance (2). Last evaluated 2024-08-01.

Conditions:
Inborn genetic diseases. Identifiers: MedGen C0950123, MeSH D030342.

Allele frequency attached by ClinVar (database versions not stated): gnomAD exomes 0.00001; gnomAD 0.00003; TOPMed 0.00004.
gnomAD v4.1: 12 of 1,613,638 alleles (0.00074%); highest among the groups gnomAD compares: Admixed American, 0.015%; no homozygotes.

Submissions (2):

Ambry Genetics
Classification: Uncertain significance for Inborn genetic diseases. Last evaluated: 2024-08-01. Review status: criteria provided, single submitter. Criteria: Ambry Variant Classification Scheme 2023. Collection method: clinical testing. Allele origin: germline.

Labcorp Genetics (formerly Invitae), Labcorp
Classification: Uncertain significance. Last evaluated: 2023-05-29. Review status: criteria provided, single submitter. Criteria: Invitae Variant Classification Sherloc (09022015). Collection method: clinical testing. Allele origin: germline.
Comment: This sequence change replaces threonine, which is neutral and polar, with isoleucine, which is neutral and non-polar, at codon 2296 of the ACAN protein (p.Thr2296Ile). This variant is present in population databases (rs531788785, gnomAD 0.01%). This variant has not been reported in the literature in individuals affected with ACAN-related conditions. ClinVar contains an entry for this variant (Variation ID: 1896417). An algorithm developed to predict the effect of missense changes on protein structure and function (PolyPhen-2) suggests that this variant is likely to be disruptive. In summary, the available evidence is currently insufficient to determine the role of this variant in disease. Therefore, it has been classified as a Variant of Uncertain Significance.

NM_001369268.1(ACAN):c.6887C>T (p.Thr2296Ile)

Gene: ACAN (aggrecan; plus strand). Cytogenetic location: 15q26.1.
Variant type: single nucleotide variant.
Coding change: c.6887C>T on transcript NM_001369268.1 (MANE Select); coding-DNA position 6887, C replaced by T.
Protein change: p.Thr2296Ile; replaces threonine 2296 with isoleucine.
Molecular consequence: missense variant. On other transcripts: intron variant (1).
Genome position (GRCh38, 1-based): chr15:88,860,380, C>T. VCF-style: chr15-88860380-C-T. GRCh37 (hg19) VCF-style: chr15-89403611-C-T.
Other names: c.6887C>T, p.Thr2296Ile (NM_013227.4); c.6832+963C>T (NM_001135.4); c.6887C>T (NM_013227.3); short protein forms T2296I.
Identifiers: ClinVar variation 1896417 (VCV001896417.6), dbSNP rs531788785, ClinGen allele CA274487338.